The following is an entry in ClinVar:

ClinVar aggregate classification (germline): Uncertain significance. Review status: criteria provided, multiple submitters, no conflicts (2 of 4 stars). 2 submissions from 2 submitters: Uncertain significance (2). Last evaluated 2024-10-26.

Conditions:
Primary ciliary dyskinesia 28. Also called: CILIARY DYSKINESIA, PRIMARY, 28, WITH OR WITHOUT SITUS INVERSUS. Identifiers: Orphanet 244, MedGen C3809706, MONDO:0014216, OMIM 615505.
Primary ciliary dyskinesia. Also called: Ciliary dyskinesia. Identifiers: Orphanet 244, MedGen C0008780, MONDO:0016575, HP:0012265.

Allele frequency attached by ClinVar (database versions not stated): TOPMed below 0.00001; gnomAD 0.00001; gnomAD exomes 0.00003.
gnomAD v4.1: 37 of 1,473,028 alleles (0.0025%); highest among the groups gnomAD compares: Non-Finnish European, 0.0033%; 1 homozygote.

Submissions (2):

Labcorp Genetics (formerly Invitae), Labcorp
Classification: Uncertain significance for Primary ciliary dyskinesia 28. Last evaluated: 2024-10-26. Review status: criteria provided, single submitter. Criteria: Invitae Variant Classification Sherloc (09022015). Collection method: clinical testing. Allele origin: germline.
Comment: This sequence change replaces glutamic acid, which is acidic and polar, with glycine, which is neutral and non-polar, at codon 394 of the SPAG1 protein (p.Glu394Gly). This variant is present in population databases (no rsID available, gnomAD 0.007%). This variant has not been reported in the literature in individuals affected with SPAG1-related conditions. ClinVar contains an entry for this variant (Variation ID: 2142982). Invitae Evidence Modeling of protein sequence and biophysical properties (such as structural, functional, and spatial information, amino acid conservation, physicochemical variation, residue mobility, and thermodynamic stability) indicates that this missense variant is not expected to disrupt SPAG1 protein function with a negative predictive value of 80%. In summary, the available evidence is currently insufficient to determine the role of this variant in disease. Therefore, it has been classified as a Variant of Uncertain Significance.

Ambry Genetics
Classification: Uncertain significance for Primary ciliary dyskinesia. Last evaluated: 2023-12-08. Review status: criteria provided, single submitter. Criteria: Ambry Variant Classification Scheme 2023. Collection method: clinical testing. Allele origin: germline.

NM_003114.5(SPAG1):c.1181A>G (p.Glu394Gly)

Genes: SPAG1 (sperm associated antigen 1; plus strand), LOC130000832 (ATAC-STARR-seq lymphoblastoid silent region 19412; plus strand). Cytogenetic location: 8q22.2.
Variant type: single nucleotide variant.
Coding change: c.1181A>G on transcript NM_003114.5 (MANE Select); coding-DNA position 1181, A replaced by G.
Protein change: p.Glu394Gly; replaces glutamic acid 394 with glycine.
Molecular consequence: missense variant.
Genome position (GRCh38, 1-based): chr8:100,213,174, A>G. VCF-style: chr8-100213174-A-G. GRCh37 (hg19) VCF-style: chr8-101225402-A-G.
Other names: c.1181A>G (NM_172218.2); c.1181A>G, p.Glu394Gly (NM_001374321.1, NM_172218.3); short protein forms E394G.
Identifiers: ClinVar variation 2142982 (VCV002142982.4), dbSNP rs1237250330, ClinGen allele CA371808851.